The following is an entry in ClinVar:

ClinVar aggregate classification (germline): Uncertain significance (1 of 4 stars; one submission).

Submission:

Labcorp Genetics (formerly Invitae), Labcorp
Classification: Uncertain significance. Last evaluated: 2022-10-13. Review status: criteria provided, single submitter. Criteria: Invitae Variant Classification Sherloc (09022015). Collection method: clinical testing. Allele origin: germline.
Comment: In summary, the available evidence is currently insufficient to determine the role of this variant in disease. Therefore, it has been classified as a Variant of Uncertain Significance. This variant has not been reported in the literature in individuals affected with ACBD5-related conditions. This variant is not present in population databases (gnomAD no frequency). This variant, c.1536_1537insAGG, results in the insertion of 1 amino acid(s) of the ACBD5 protein (p.Leu512_Val513insArg), but otherwise preserves the integrity of the reading frame.

NM_145698.5(ACBD5):c.1536_1537insAGG (p.Leu512_Val513insArg)

Gene: ACBD5 (acyl-CoA binding domain containing 5; minus strand). Cytogenetic location: 10p12.1.
Variant type: Insertion.
Coding change: c.1536_1537insAGG on transcript NM_145698.5 (MANE Select); coding-DNA positions 1536 to 1537, AGG inserted.
Protein change: p.Leu512_Val513insArg.
Molecular consequence: inframe insertion.
Genome position: GRCh38 VCF-style: chr10-27204468-C-CCCT. GRCh37 (hg19) VCF-style: chr10-27493397-C-CCCT.
Other names: c.1431_1432insAGG, p.Leu477_Val478insArg (NM_001042473.4, NM_001352577.2, NM_001352578.2 and 1 more transcripts); c.1530_1531insAGG, p.Leu510_Val511insArg (NM_001271512.3); c.1209_1210insAGG, p.Leu403_Val404insArg (NM_001301251.2, NM_001301252.2, NM_001301253.2 and 2 more transcripts); c.1005_1006insAGG, p.Leu335_Val336insArg (NM_001301254.2); c.1590_1591insAGG, p.Leu530_Val531insArg (NM_001352568.1); c.1569_1570insAGG, p.Leu523_Val524insArg (NM_001352569.1); c.1536_1537insAGG, p.Leu512_Val513insArg (NM_001352570.1); c.1563_1564insAGG, p.Leu521_Val522insArg (NM_001352571.1); and 10 more.
Identifiers: ClinVar variation 2123692 (VCV002123692.2), dbSNP rs2060259116, ClinGen allele CA2497283414.
Genomic context (GRCh38, chr10:27,204,468, plus strand): 5'-TACACCATTTCAAATGATGAAACTGGTCTTACCTTCTCCTTCTTTGATAGTATAAATACA[C>CCCT]CAACCACTGTGCAATAAAAGGCCATATGATGGCAAACGTTAGCACACCAGGAGACATCTC-3'